The following is an entry in ClinVar:

ClinVar aggregate classification (germline): Pathogenic (1 of 4 stars; one submission).

Submission:

Quest Diagnostics Nichols Institute San Juan Capistrano
Classification: Pathogenic. Last evaluated: 2025-04-23. Review status: criteria provided, single submitter. Criteria: ACMG/ClinGen CNV Guidelines, 2019. Collection method: clinical testing. Allele origin: unknown.
Comment: This deletion involves at least seven protein-coding genes, including PORCN (OMIM 300651) and EBP (OMIM 300205). Haploinsufficiency of PORCN is associated with focal dermal hypoplasia (OMIM 305600; CCID:007699) and haploinsufficiency of EBP is associated with chondrodysplasia punctata 2 (OMIM 302960; CCID:007048); loss of either gene is suggested to be embryonic lethal in males (Kumble 2020, Sutton 2023). Multiple similar heterozygous deletions have been reported in females with variable phenotypic presentations (Bornholdt 2009, Bostwick 2016, Lombardi 2011). Thus, this copy number variant (CNV) is classified as pathogenic. Clinical presentation in a female is likely dependent upon X-inactivation status. References: Bornholdt et al., Hum Mutat. 2009 May;30(5):E618-28. PMID: 19309688 Bostwick et al., Am J Med Genet C Semin Med Genet. 2016 Mar;172C(1):9-20. PMID: 26853229 Kumble et al., GeneReviews [2020 Jan 9]. PMID: 21634086 Lombardi et al., Hum Mutat. 2011 Jul;32(7):723-8. PMID: 21472892 Sutton VR, GeneReviews [2023 Jun15]. PMID: 20301712

GRCh37/hg19 Xp11.23(chrX:48286848-48520104)x1

Genes: EBP (EBP cholestenol delta-isomerase; plus strand), FTSJ1 (FtsJ RNA 2'-O-methyltransferase 1; plus strand), PORCN (porcupine O-acyltransferase; plus strand), RBM3 (RNA binding motif protein 3; plus strand), SLC38A5 (solute carrier family 38 member 5; minus strand) and 2 more. Cytogenetic location: Xp11.23.
Variant type: copy number loss.
Change: copy number 1 of chrX:48,286,848-48,520,104 (233.3 kb, GRCh37 coordinates, 1-based), cytogenetic band Xp11.23.
Identifiers: ClinVar variation 4683031 (VCV004683031.1).